The following is an entry in ClinVar:

NM_004655.4(AXIN2):c.454G>A (p.Ala152Thr)

Gene: AXIN2 (axin 2; minus strand). Cytogenetic location: 17q24.1.
Variant type: single nucleotide variant.
Coding change: c.454G>A on transcript NM_004655.4 (MANE Select); coding-DNA position 454, G replaced by A.
Protein change: p.Ala152Thr; replaces alanine 152 with threonine.
Molecular consequence: missense variant.
Genome position (GRCh38, 1-based): chr17:65,558,167, C>T on the plus strand (G>A on the coding strand, the complement: AXIN2 is on the minus strand). VCF-style: chr17-65558167-C-T. GRCh37 (hg19) VCF-style: chr17-63554285-C-T.
Other names: c.454G>A, p.Ala152Thr (NM_001363813.1); short protein forms A152T.
Identifiers: ClinVar variation 1741429 (VCV001741429.8), dbSNP rs772740656, ClinGen allele CA8719048.

ClinVar aggregate classification (germline): Uncertain significance. Review status: criteria provided, multiple submitters, no conflicts (2 of 4 stars). 2 submissions from 2 submitters: Uncertain significance (2). Last evaluated 2025-12-17.

Conditions:
Hereditary cancer-predisposing syndrome. Also called: Hereditary Cancer Syndrome; Hereditary neoplastic syndrome; Neoplastic Syndromes, Hereditary; Tumor predisposition. Identifiers: Orphanet 140162, MedGen C0027672, MeSH D009386, MONDO:0015356.
Oligodontia-cancer predisposition syndrome. Also called: TOOTH AGENESIS-COLORECTAL CANCER SYNDROME. Identifiers: Orphanet 300576, MedGen C1837750, MONDO:0012075, OMIM 608615. Disease mechanism: loss of function.

Allele frequency attached by ClinVar (database versions not stated): ExAC 0.00001; TOPMed 0.00001.

Submissions (2):

Labcorp Genetics (formerly Invitae), Labcorp
Classification: Uncertain significance for Oligodontia-cancer predisposition syndrome. Last evaluated: 2025-12-17. Review status: criteria provided, single submitter. Criteria: Invitae Variant Classification Sherloc (09022015). Collection method: clinical testing. Allele origin: germline.
Comment: This sequence change replaces alanine, which is neutral and non-polar, with threonine, which is neutral and polar, at codon 152 of the AXIN2 protein (p.Ala152Thr). This variant is present in population databases (rs772740656, gnomAD 0.006%). This variant has not been reported in the literature in individuals affected with AXIN2-related conditions. ClinVar contains an entry for this variant (Variation ID: 1741429). Invitae Evidence Modeling of protein sequence and biophysical properties (such as structural, functional, and spatial information, amino acid conservation, physicochemical variation, residue mobility, and thermodynamic stability) indicates that this missense variant is expected to disrupt AXIN2 protein function with a positive predictive value of 80%. In summary, the available evidence is currently insufficient to determine the role of this variant in disease. Therefore, it has been classified as a Variant of Uncertain Significance.

Ambry Genetics
Classification: Uncertain significance for Hereditary cancer-predisposing syndrome. Last evaluated: 2025-02-07. Review status: criteria provided, single submitter. Criteria: Ambry Variant Classification Scheme 2023. Collection method: clinical testing. Allele origin: germline.
Comment: The p.A152T variant (also known as c.454G>A), located in coding exon 1 of the AXIN2 gene, results from a G to A substitution at nucleotide position 454. The alanine at codon 152 is replaced by threonine, an amino acid with similar properties. This amino acid position is highly conserved in available vertebrate species. In addition, this alteration is predicted to be tolerated by in silico analysis. Based on the available evidence, the clinical significance of this variant remains unclear.